The following is an entry in ClinVar:

NM_000360.4(TH):c.391T>G (p.Phe131Val)

Gene: TH (tyrosine hydroxylase; minus strand). Cytogenetic location: 11p15.5.
Variant type: single nucleotide variant.
Coding change: c.391T>G on transcript NM_000360.4 (MANE Select); coding-DNA position 391, T replaced by G.
Protein change: p.Phe131Val; replaces phenylalanine 131 with valine.
Molecular consequence: missense variant.
Genome position (GRCh38, 1-based): chr11:2,168,587, A>C on the plus strand (T>G on the coding strand, the complement: TH is on the minus strand). VCF-style: chr11-2168587-A-C. GRCh37 (hg19) VCF-style: chr11-2189817-A-C.
Other names: c.484T>G, p.Phe162Val (NM_199292.3); c.472T>G, p.Phe158Val (NM_199293.3); short protein forms F158V, F131V, F162V.
Identifiers: ClinVar variation 643112 (VCV000643112.15), dbSNP rs200536568, ClinGen allele CA5818685.
Genomic context (GRCh38, chr11:2,168,587, plus strand): 5'-CCTGGCGCACACCACTGAGCAGGGCGGCCAGGTCCCCTCGGCGCACCTCGAGGCGCACGA[A>C]GTACTCCAGGTGGGGGCCCCCAGCTCGCGGCCTCTGGGCGGGCCGGGTCTCTAGATGGTG-3'
Protein context (NP_000351.2, residues 121-141): PRAGGPHLEY[Phe131Val]VRLEVRRGDL

ClinVar aggregate classification (germline): Uncertain significance. Review status: criteria provided, multiple submitters, no conflicts (2 of 4 stars). 8 submissions from 8 submitters: Uncertain significance (4). 4 of the submissions do not count toward it. Last evaluated 2025-03-31.

Conditions:
TH-deficient dopa-responsive dystonia. Also called: Tyrosine Hydroxylase-Deficient Dopa-Responsive Dystonia; DYT-TH; Segawa syndrome, autosomal recessive. Identifiers: Orphanet 101150, MedGen C2673535, MONDO:0011551, OMIM 605407.

Allele frequency attached by ClinVar (database versions not stated): gnomAD 0.00017; ExAC 0.00019; TOPMed 0.00021; ESP Exome Variant Server 0.00015; gnomAD exomes 0.00019 and 0.00030.
gnomAD v4.1: 461 of 1,611,804 alleles (0.029%); highest among the groups gnomAD compares: Non-Finnish European, 0.036%; no homozygotes.

Submissions (8):

GeneDx
Classification: Uncertain significance. Last evaluated: 2025-03-31. Review status: criteria provided, single submitter. Criteria: GeneDx Variant Classification Process June 2021. Collection method: clinical testing. Allele origin: germline. Affected: yes.
Comment: In silico analysis supports that this missense variant has a deleterious effect on protein structure/function; Has not been previously published as pathogenic or benign to our knowledge

Blueprint Genetics
Classification: Uncertain significance. Last evaluated: 2024-10-22. Review status: criteria provided, single submitter. Criteria: ACMG Guidelines, 2015. Collection method: clinical testing. Allele origin: germline.

Labcorp Genetics (formerly Invitae), Labcorp
Classification: Uncertain significance for TH-deficient dopa-responsive dystonia. Last evaluated: 2022-08-23. Review status: criteria provided, single submitter. Criteria: Invitae Variant Classification Sherloc (09022015). Collection method: clinical testing. Allele origin: germline.
Comment: This sequence change replaces phenylalanine, which is neutral and non-polar, with valine, which is neutral and non-polar, at codon 162 of the TH protein (p.Phe162Val). This variant is present in population databases (rs200536568, gnomAD 0.03%). This missense change has been observed in individual(s) with Parkinson disease (PMID: 27185167). This variant is also known as c.391T>G p.(Phe131Val). ClinVar contains an entry for this variant (Variation ID: 643112). Algorithms developed to predict the effect of missense changes on protein structure and function (SIFT, PolyPhen-2, Align-GVGD) all suggest that this variant is likely to be disruptive. In summary, the available evidence is currently insufficient to determine the role of this variant in disease. Therefore, it has been classified as a Variant of Uncertain Significance.

Fulgent Genetics
Classification: Uncertain significance for TH-deficient dopa-responsive dystonia. Last evaluated: 2021-07-09. Review status: criteria provided, single submitter. Criteria: ACMG Guidelines, 2015. Collection method: clinical testing. Allele origin: unknown.

Natera, Inc.
Classification: Uncertain significance for Autosomal recessive Segawa syndrome. Last evaluated: 2020-04-12. Review status: no assertion criteria provided. Collection method: clinical testing. Allele origin: germline. Not counted in ClinVar's aggregate classification.

Clinical Genetics DNA and cytogenetics Diagnostics Lab, Erasmus MC, Erasmus Medical Center
Classification: Uncertain significance. Review status: no assertion criteria provided. Collection method: clinical testing. Allele origin: germline. Affected: yes. Study: VKGL Data-share Consensus. Not counted in ClinVar's aggregate classification.

Department of Pathology and Laboratory Medicine, Sinai Health System
Classification: Uncertain significance. Review status: no assertion criteria provided. Collection method: clinical testing. Allele origin: unknown. Affected: yes. Study: The Canadian Open Genetics Repository (COGR). Not counted in ClinVar's aggregate classification.
Comment: The TH p.Phe162Val variant was not identified in the literature but was identified in dbSNP (ID: rs200536568), LOVD 3.0 and ClinVar (classified as uncertain significance by Invitae). The variant was identified in control databases in 50 of 272994 chromosomes at a frequency of 0.0001832 (Genome Aggregation Database March 6, 2019, v2.1.1). The variant was observed in the following populations: European (non-Finnish) in 45 of 123132 chromosomes (freq: 0.000366), Other in 1 of 6982 chromosomes (freq: 0.000143) and Latino in 4 of 35114 chromosomes (freq: 0.000114), but was not observed in the African, Ashkenazi Jewish, East Asian, European (Finnish), or South Asian populations. The p.Phe162 residue is conserved across mammals and other organisms, and computational analyses (PolyPhen-2, SIFT, AlignGVGD, BLOSUM, MutationTaster) suggest that the variant may impact the protein; however, this information is not predictive enough to assume pathogenicity. The variant occurs outside of the splicing consensus sequence and three of four in silico or computational prediction software programs (SpliceSiteFinder, MaxEntScan, NNSPLICE, GeneSplicer) do not predict a difference in splicing. In summary, based on the above information the clinical significance of this variant cannot be determined with certainty at this time. This variant is classified as a variant of uncertain significance.

Diagnostic Laboratory, Department of Genetics, University Medical Center Groningen
Classification: Uncertain significance. Review status: no assertion criteria provided. Collection method: clinical testing. Allele origin: germline. Affected: yes. Study: VKGL Data-share Consensus. Not counted in ClinVar's aggregate classification.

Literature cited by the submitters: PubMed 27185167 (cited by Labcorp Genetics (formerly Invitae), Labcorp).